The following is an entry in ClinVar:

NM_003791.4(MBTPS1):c.1192G>A (p.Val398Met)

Gene: MBTPS1 (membrane bound transcription factor peptidase, site 1; minus strand). Cytogenetic location: 16q23.3.
Variant type: single nucleotide variant.
Coding change: c.1192G>A on transcript NM_003791.4 (MANE Select); coding-DNA position 1192, G replaced by A.
Protein change: p.Val398Met; replaces valine 398 with methionine.
Molecular consequence: missense variant.
Genome position (GRCh38, 1-based): chr16:84,085,077, C>T on the plus strand (G>A on the coding strand, the complement: MBTPS1 is on the minus strand). VCF-style: chr16-84085077-C-T. GRCh37 (hg19) VCF-style: chr16-84118682-C-T.
Other names: c.1192G>A (NM_003791.2); short protein forms V398M.
Identifiers: ClinVar variation 2335079 (VCV002335079.8), dbSNP rs768811661, ClinGen allele CA8201418.
Genomic context (GRCh38, chr16:84,085,077, plus strand): 5'-GAGAAGCAACACTGGTCCCTGAGAGGGCCCGGCACCCCCCTTTCACGCCAGAACCCCGCA[C>T]GCCAGCACCATAGGTGACAATGTCAGGTTTCATGCGACCGTAGCCTCCTGGTAGCTCCTA-3'
Protein context (NP_003782.1, residues 388-408): KPDIVTYGAG[Val398Met]RGSGVKGGCR

ClinVar aggregate classification (germline): Uncertain significance. Review status: criteria provided, multiple submitters, no conflicts (2 of 4 stars). 2 submissions from 2 submitters: Uncertain significance (2). Last evaluated 2025-06-06.

Conditions:
Inborn genetic diseases. Identifiers: MedGen C0950123, MeSH D030342.

gnomAD v4.1: 22 of 1,614,076 alleles (0.0014%); highest among the groups gnomAD compares: Middle Eastern, 0.016%; no homozygotes.

Submissions (2):

Ambry Genetics
Classification: Uncertain significance for Inborn genetic diseases. Last evaluated: 2025-06-06. Review status: criteria provided, single submitter. Criteria: Ambry Variant Classification Scheme 2023. Collection method: clinical testing. Allele origin: germline.

Labcorp Genetics (formerly Invitae), Labcorp
Classification: Uncertain significance. Last evaluated: 2022-02-19. Review status: criteria provided, single submitter. Criteria: Invitae Variant Classification Sherloc (09022015). Collection method: clinical testing. Allele origin: germline.
Comment: In summary, the available evidence is currently insufficient to determine the role of this variant in disease. Therefore, it has been classified as a Variant of Uncertain Significance. Algorithms developed to predict the effect of missense changes on protein structure and function are either unavailable or do not agree on the potential impact of this missense change (SIFT: "Deleterious"; PolyPhen-2: "Probably Damaging"; Align-GVGD: "Class C0"). This variant has not been reported in the literature in individuals affected with MBTPS1-related conditions. This variant is present in population databases (rs768811661, gnomAD 0.006%). This sequence change replaces valine, which is neutral and non-polar, with methionine, which is neutral and non-polar, at codon 398 of the MBTPS1 protein (p.Val398Met).